The following is an entry in ClinVar:

ClinVar aggregate classification (germline): Uncertain significance. Review status: criteria provided, multiple submitters, no conflicts (2 of 4 stars). 2 submissions from 2 submitters: Uncertain significance (2). Last evaluated 2025-08-24.

Conditions:
Hereditary cancer-predisposing syndrome. Also called: Neoplastic Syndromes, Hereditary; Tumor predisposition; Hereditary Cancer Syndrome; Hereditary neoplastic syndrome. Identifiers: Orphanet 140162, MedGen C0027672, MeSH D009386, MONDO:0015356.

Submissions (2):

Ambry Genetics
Classification: Uncertain significance for Hereditary cancer-predisposing syndrome. Last evaluated: 2025-08-24. Review status: criteria provided, single submitter. Criteria: Ambry Variant Classification Scheme 2023. Collection method: clinical testing. Allele origin: germline.
Comment: The p.K356R variant (also known as c.1067A>G), located in coding exon 10 of the PMS2 gene, results from an A to G substitution at nucleotide position 1067. The lysine at codon 356 is replaced by arginine, an amino acid with highly similar properties. This amino acid position is conserved. In addition, this alteration is predicted to be deleterious by in silico analysis. Based on the available evidence, the clinical significance of this variant remains unclear.

Color Diagnostics, LLC DBA Color Health
Classification: Uncertain significance for Hereditary cancer-predisposing syndrome. Last evaluated: 2025-03-03. Review status: criteria provided, single submitter. Criteria: ACMG Guidelines, 2015. Collection method: clinical testing. Allele origin: germline.
Comment: This missense variant replaces lysine with arginine at codon 356 of the PMS2 protein. Computational prediction suggests that this variant may have deleterious impact on protein structure and function (internally defined REVEL score threshold >= 0.7, PMID: 27666373). To our knowledge, functional studies have not been reported for this variant. This variant has not been reported in individuals affected with PMS2-related disorders in the literature. This variant has not been identified in the general population by the Genome Aggregation Database (gnomAD). The available evidence is insufficient to determine the role of this variant in disease conclusively. Therefore, this variant is classified as a Variant of Uncertain Significance.

NM_000535.7(PMS2):c.1067A>G (p.Lys356Arg)

Gene: PMS2 (PMS1 homolog 2, mismatch repair system component; minus strand). Cytogenetic location: 7p22.1.
Variant type: single nucleotide variant.
Coding change: c.1067A>G on transcript NM_000535.7 (MANE Select); coding-DNA position 1067, A replaced by G.
Protein change: p.Lys356Arg; replaces lysine 356 with arginine.
Molecular consequence: missense variant. On other transcripts: non-coding transcript variant (1), intron variant (10).
Genome position (GRCh38, 1-based): chr7:5,989,877, T>C on the plus strand (A>G on the coding strand, the complement: PMS2 is on the minus strand). VCF-style: chr7-5989877-T-C. GRCh37 (hg19) VCF-style: chr7-6029508-T-C.
Other names: c.662A>G, p.Lys221Arg (NM_001322003.2, NM_001322004.2, NM_001322005.2 and 16 more transcripts); c.749A>G, p.Lys250Arg (NM_001322007.2, NM_001322008.2, NM_001406876.1 and 2 more transcripts); c.134A>G, p.Lys45Arg (NM_001322011.2, NM_001322012.2); c.494A>G, p.Lys165Arg (NM_001322013.2, NM_001406909.1); c.1067A>G, p.Lys356Arg (NM_001322014.2, NM_001406871.1, NM_001406872.1); c.758A>G, p.Lys253Arg (NM_001322015.2, NM_001406875.1, NM_001406877.1 and 5 more transcripts); c.1253A>G, p.Lys418Arg (NM_001406866.1); c.1091A>G, p.Lys364Arg (NM_001406868.1); and 13 more; short protein forms K165R, K185R, K221R, K234R, K244R, K250R, K253R, K290R.
Identifiers: ClinVar variation 3894233 (VCV003894233.2).